The following is an entry in ClinVar:

NM_000059.4(BRCA2):c.782C>T (p.Ala261Val)

Gene: BRCA2 (BRCA2 DNA repair associated; plus strand). Cytogenetic location: 13q13.1.
Variant type: single nucleotide variant.
Coding change: c.782C>T on transcript NM_000059.4 (MANE Select); coding-DNA position 782, C replaced by T.
Protein change: p.Ala261Val; replaces alanine 261 with valine.
Molecular consequence: missense variant.
Genome position (GRCh38, 1-based): chr13:32,331,019, C>T. VCF-style: chr13-32331019-C-T. GRCh37 (hg19) VCF-style: chr13-32905156-C-T.
Other names: short protein forms A261V.
Identifiers: ClinVar variation 1462656 (VCV001462656.8), dbSNP rs2137462261, ClinGen allele CA387760224.

ClinVar aggregate classification (germline): Uncertain significance (1 of 4 stars; one submission).

Conditions:
Hereditary breast ovarian cancer syndrome. Also called: Hereditary breast and ovarian cancer; Breast and ovarian cancer; BRCA1- and BRCA2-Associated Hereditary Breast and Ovarian Cancer; Hereditary breast and/or ovarian cancer syndrome; Hereditary breast and ovarian cancer syndrome; Hereditary breast and ovarian cancer syndrome (HBOC). Identifiers: Orphanet 145, MedGen C0677776, MeSH D061325, MONDO:0003582. Disease mechanism: loss of function.

gnomAD v4.1: 1 of 1,608,598 alleles (0.000062%); highest among the groups gnomAD compares: Non-Finnish European, 0.000085%; no homozygotes.

Submission:

Labcorp Genetics (formerly Invitae), Labcorp
Classification: Uncertain significance for Hereditary breast ovarian cancer syndrome. Last evaluated: 2021-03-31. Review status: criteria provided, single submitter. Criteria: Invitae Variant Classification Sherloc (09022015). Collection method: clinical testing. Allele origin: germline.
Comment: Advanced modeling of protein sequence and biophysical properties (such as structural, functional, and spatial information, amino acid conservation, physicochemical variation, residue mobility, and thermodynamic stability) performed at Invitae indicates that this missense variant is not expected to disrupt BRCA2 protein function. This variant has not been reported in the literature in individuals with BRCA2-related conditions. This variant is not present in population databases (ExAC no frequency). This sequence change replaces alanine with valine at codon 261 of the BRCA2 protein (p.Ala261Val). The alanine residue is weakly conserved and there is a small physicochemical difference between alanine and valine. In summary, the available evidence is currently insufficient to determine the role of this variant in disease. Therefore, it has been classified as a Variant of Uncertain Significance.